The following is an entry in ClinVar:

ClinVar aggregate classification (germline): Conflicting classifications of pathogenicity. Review status: criteria provided, conflicting classifications (1 of 4 stars). 5 submissions from 5 submitters: Uncertain significance (1); Likely benign (4). Last evaluated 2025-09-14.

Conditions:
Inborn genetic diseases. Identifiers: MedGen C0950123, MeSH D030342.

Allele frequency attached by ClinVar (database versions not stated): gnomAD exomes 0.00010 and 0.00005; ExAC 0.00015; ESP Exome Variant Server 0.00015; gnomAD 0.00027 and 0.00029; TOPMed 0.00028.
gnomAD v4.1: 119 of 1,614,096 alleles (0.0074%); highest among the groups gnomAD compares: African/African-American, 0.083%; no homozygotes.

Submissions (5):

Labcorp Genetics (formerly Invitae), Labcorp
Classification: Likely benign. Last evaluated: 2025-09-14. Review status: criteria provided, single submitter. Criteria: Invitae Variant Classification Sherloc (09022015). Collection method: clinical testing. Allele origin: germline.

Blueprint Genetics
Classification: Likely benign. Last evaluated: 2024-11-11. Review status: criteria provided, single submitter. Criteria: ACMG Guidelines, 2015. Collection method: clinical testing. Allele origin: germline.

CeGaT Center for Human Genetics Tuebingen
Classification: Likely benign. Last evaluated: 2024-04-01. Review status: criteria provided, single submitter. Criteria: CeGaT Center For Human Genetics Tuebingen Variant Classification Criteria Version 2. Collection method: clinical testing. Allele origin: germline. Affected: yes. Observed: 2 variant alleles.
Comment: KMT2E: BP4, BS1

Ambry Genetics
Classification: Likely benign for Inborn genetic diseases. Last evaluated: 2023-02-27. Review status: criteria provided, single submitter. Criteria: Ambry Variant Classification Scheme 2023. Collection method: clinical testing. Allele origin: germline.

Eurofins Ntd Llc (ga)
Classification: Uncertain significance. Last evaluated: 2018-02-13. Review status: criteria provided, single submitter. Criteria: EGL ClinVar v180209 classification definitions. Collection method: clinical testing. Allele origin: germline. Observed: 1 variant allele, 1 heterozygote.

NM_182931.3(KMT2E):c.3875C>T (p.Pro1292Leu)

Gene: KMT2E (lysine methyltransferase 2E (inactive); plus strand). Cytogenetic location: 7q22.3.
Variant type: single nucleotide variant.
Coding change: c.3875C>T on transcript NM_182931.3 (MANE Select); coding-DNA position 3875, C replaced by T.
Protein change: p.Pro1292Leu; replaces proline 1292 with leucine.
Molecular consequence: missense variant.
Genome position (GRCh38, 1-based): chr7:105,110,507, C>T. VCF-style: chr7-105110507-C-T. GRCh37 (hg19) VCF-style: chr7-104750954-C-T.
Other names: c.3875C>T, p.Pro1292Leu (NM_018682.4); c.3875C>T (NM_182931.2); short protein forms P1292L.
Identifiers: ClinVar variation 596147 (VCV000596147.36), dbSNP rs144839449, ClinGen allele CA4424605.